The following is an entry in ClinVar:

ClinVar aggregate classification (germline): Uncertain significance (1 of 4 stars; one submission).

Allele frequency attached by ClinVar (database versions not stated): gnomAD 0.00001; TOPMed 0.00002; ExAC 0.00009; 1000 Genomes Project 30x 0.00016; 1000 Genomes Project 0.00020.
gnomAD v4.1: 17 of 1,591,828 alleles (0.0011%); highest among the groups gnomAD compares: East Asian, 0.029%; no homozygotes.

Submission:

Labcorp Genetics (formerly Invitae), Labcorp
Classification: Uncertain significance. Last evaluated: 2024-06-03. Review status: criteria provided, single submitter. Criteria: Invitae Variant Classification Sherloc (09022015). Collection method: clinical testing. Allele origin: germline.
Comment: This sequence change disrupts the translational stop signal of the LAMA5 mRNA. It is expected to extend the length of the LAMA5 protein by 24 additional amino acid residues. This variant is present in population databases (rs535340680, gnomAD 0.06%). This variant has not been reported in the literature in individuals affected with LAMA5-related conditions. ClinVar contains an entry for this variant (Variation ID: 1929763). In summary, the available evidence is currently insufficient to determine the role of this variant in disease. Therefore, it has been classified as a Variant of Uncertain Significance.

NM_005560.6(LAMA5):c.11088G>T (p.Ter3696Tyr)

Gene: LAMA5 (laminin subunit alpha 5; minus strand). Cytogenetic location: 20q13.33.
Variant type: single nucleotide variant.
Coding change: c.11088G>T on transcript NM_005560.6 (MANE Select); coding-DNA position 11088, G replaced by T.
Protein change: p.Ter3696Tyr.
Molecular consequence: stop lost.
Genome position (GRCh38, 1-based): chr20:62,309,336, C>A on the plus strand (G>T on the coding strand, the complement: LAMA5 is on the minus strand). VCF-style: chr20-62309336-C-A. GRCh37 (hg19) VCF-style: chr20-60884392-C-A.
Identifiers: ClinVar variation 1929763 (VCV001929763.5), dbSNP rs535340680, ClinGen allele CA9939454.